The following is an entry in ClinVar:

ClinVar aggregate classification (germline): Conflicting classifications of pathogenicity. Review status: criteria provided, conflicting classifications (1 of 4 stars). 2 submissions from 2 submitters: Uncertain significance (1); Likely benign (1). Last evaluated 2022-02-03.

Conditions:
Immunodeficiency due to CD25 deficiency. Also called: IL2RA DEFICIENCY; IMMUNODEFICIENCY 41 WITH LYMPHOPROLIFERATION AND AUTOIMMUNITY; CD25 DEFICIENCY. Identifiers: Orphanet 169100, MedGen C1853392, MONDO:0011664, OMIM 606367.

Allele frequency attached by ClinVar (database versions not stated): TOPMed 0.00001; gnomAD 0.00002 and 0.00003; gnomAD exomes 0.00006; ExAC 0.00009; 1000 Genomes Project 0.00020; 1000 Genomes Project 30x 0.00031.

Submissions (2):

Labcorp Genetics (formerly Invitae), Labcorp
Classification: Uncertain significance for Immunodeficiency due to CD25 deficiency. Last evaluated: 2022-02-03. Review status: criteria provided, single submitter. Criteria: Invitae Variant Classification Sherloc (09022015). Collection method: clinical testing. Allele origin: germline.
Comment: This sequence change replaces arginine, which is basic and polar, with glutamine, which is neutral and polar, at codon 263 of the IL2RA protein (p.Arg263Gln). This variant is present in population databases (rs536344946, gnomAD 0.01%). This variant has not been reported in the literature in individuals affected with IL2RA-related conditions. ClinVar contains an entry for this variant (Variation ID: 862422). Algorithms developed to predict the effect of missense changes on protein structure and function output the following: SIFT: "Deleterious"; PolyPhen-2: "Benign"; Align-GVGD: "Class C0". The glutamine amino acid residue is found in multiple mammalian species, which suggests that this missense change does not adversely affect protein function. In summary, the available evidence is currently insufficient to determine the role of this variant in disease. Therefore, it has been classified as a Variant of Uncertain Significance.

Ambry Genetics
Classification: Likely benign. Last evaluated: 2021-12-07. Review status: criteria provided, single submitter. Criteria: Ambry Variant Classification Scheme 2023. Collection method: clinical testing. Allele origin: germline.

NM_000417.3(IL2RA):c.788G>A (p.Arg263Gln)

Gene: IL2RA (interleukin 2 receptor subunit alpha; minus strand). Cytogenetic location: 10p15.1.
Variant type: single nucleotide variant.
Coding change: c.788G>A on transcript NM_000417.3 (MANE Select); coding-DNA position 788, G replaced by A.
Protein change: p.Arg263Gln; replaces arginine 263 with glutamine.
Molecular consequence: missense variant.
Genome position (GRCh38, 1-based): chr10:6,018,059, C>T on the plus strand (G>A on the coding strand, the complement: IL2RA is on the minus strand). VCF-style: chr10-6018059-C-T. GRCh37 (hg19) VCF-style: chr10-6060022-C-T.
Other names: c.572G>A, p.Arg191Gln (NM_001308242.2); c.500G>A, p.Arg167Gln (NM_001308243.2); short protein forms R167Q, R191Q, R263Q.
Identifiers: ClinVar variation 862422 (VCV000862422.6), dbSNP rs536344946, ClinGen allele CA5397305.